The following is an entry in ClinVar:

NM_033056.4(PCDH15):c.5408C>T (p.Ser1803Phe)

Gene: PCDH15 (protocadherin related 15; minus strand). Cytogenetic location: 10q21.1.
Variant type: single nucleotide variant.
Coding change: c.5408C>T on transcript NM_033056.4 (MANE Plus Clinical); coding-DNA position 5408, C replaced by T.
Protein change: p.Ser1803Phe; replaces serine 1803 with phenylalanine.
Molecular consequence: missense variant. On other transcripts: intron variant (8).
Genome position (GRCh38, 1-based): chr10:53,822,318, G>A on the plus strand (C>T on the coding strand, the complement: PCDH15 is on the minus strand). VCF-style: chr10-53822318-G-A. GRCh37 (hg19) VCF-style: chr10-55582078-G-A.
Other names: c.4367+5075C>T (NM_001354420.2); c.4368-4305C>T (NM_001354429.2); c.4368-2088C>T (NM_001384140.1); c.4373+2818C>T (NM_001142772.2, NM_001142770.3); c.4388+2818C>T (NM_001142771.2); c.4388+5075C>T (NM_001354411.2); c.4409+2818C>T (NM_001142769.3); c.5429C>T, p.Ser1810Phe (NM_001142763.2); and 7 more; short protein forms S1734F, S1783F, S1763F, S1780F, S1810F, S1805F, S1781F, S1800F.
Identifiers: ClinVar variation 940571 (VCV000940571.8), dbSNP rs747584616, ClinGen allele CA5505044.

ClinVar aggregate classification (germline): Conflicting classifications of pathogenicity. Review status: criteria provided, conflicting classifications (1 of 4 stars). 4 submissions from 4 submitters: Uncertain significance (2); Likely benign (1). 1 of the submissions does not count toward it. Last evaluated 2025-09-26.

Conditions:
Usher syndrome type 1F (USH1F). Also called: USHER SYNDROME, TYPE IF. Identifiers: Orphanet 231169, Orphanet 886, MedGen C1865885, MONDO:0011186, OMIM 602083.
Inborn genetic diseases. Identifiers: MedGen C0950123, MeSH D030342.

Allele frequency attached by ClinVar (database versions not stated): gnomAD exomes 0.00002 and 0.00005; ExAC 0.00013.

Submissions (4):

Ambry Genetics
Classification: Uncertain significance for Inborn genetic diseases. Last evaluated: 2025-09-26. Review status: criteria provided, single submitter. Criteria: Ambry Variant Classification Scheme 2023. Collection method: clinical testing. Allele origin: germline.

Blueprint Genetics
Classification: Likely benign. Last evaluated: 2024-05-20. Review status: criteria provided, single submitter. Criteria: ACMG Guidelines, 2015. Collection method: clinical testing. Allele origin: germline.

Labcorp Genetics (formerly Invitae), Labcorp
Classification: Uncertain significance. Last evaluated: 2022-08-16. Review status: criteria provided, single submitter. Criteria: Invitae Variant Classification Sherloc (09022015). Collection method: clinical testing. Allele origin: germline.
Comment: This sequence change replaces serine, which is neutral and polar, with phenylalanine, which is neutral and non-polar, at codon 1803 of the PCDH15 protein (p.Ser1803Phe). This variant is present in population databases (rs747584616, gnomAD 0.04%). This variant has not been reported in the literature in individuals affected with PCDH15-related conditions. ClinVar contains an entry for this variant (Variation ID: 940571). Algorithms developed to predict the effect of missense changes on protein structure and function are either unavailable or do not agree on the potential impact of this missense change (SIFT: "Deleterious"; PolyPhen-2: "Not Available"; Align-GVGD: "Class C0"). In summary, the available evidence is currently insufficient to determine the role of this variant in disease. Therefore, it has been classified as a Variant of Uncertain Significance.

Natera, Inc.
Classification: Uncertain significance for Usher syndrome type 1F. Last evaluated: 2020-04-05. Review status: no assertion criteria provided. Collection method: clinical testing. Allele origin: germline. Not counted in ClinVar's aggregate classification.